The following is an entry in ClinVar:

NM_178857.6(RP1L1):c.1043C>T (p.Ala348Val)

Gene: RP1L1 (RP1 like 1). Cytogenetic location: 8p23.1.
Variant type: single nucleotide variant.
Coding change: c.1043C>T on transcript NM_178857.6 (MANE Select); coding-DNA position 1043, C replaced by T.
Protein change: p.Ala348Val; replaces alanine 348 with valine.
Molecular consequence: missense variant.
Genome position (GRCh38, 1-based): chr8:10,613,055, G>A on the plus strand (C>T on the coding strand, the complement: RP1L1 is on the minus strand). VCF-style: chr8-10613055-G-A. GRCh37 (hg19) VCF-style: chr8-10470565-G-A.
Other names: short protein forms A348V.
Identifiers: ClinVar variation 1699615 (VCV001699615.6), dbSNP rs374888951, ClinGen allele CA4625339.

ClinVar aggregate classification (germline): Conflicting classifications of pathogenicity. Review status: criteria provided, conflicting classifications (1 of 4 stars). 4 submissions from 4 submitters: Uncertain significance (3); Benign (1). Last evaluated 2025-12-08.

Conditions:
RP1L1-related disorder. Also called: RP1L1-related condition.
Inborn genetic diseases. Identifiers: MedGen C0950123, MeSH D030342.

Allele frequency attached by ClinVar (database versions not stated): 1000 Genomes Project 30x 0.00016; 1000 Genomes Project 0.00020; ESP Exome Variant Server 0.00032.

Submissions (4):

Ambry Genetics
Classification: Uncertain significance for Inborn genetic diseases. Last evaluated: 2025-12-08. Review status: criteria provided, single submitter. Criteria: Ambry Variant Classification Scheme 2023. Collection method: clinical testing. Allele origin: germline.

PreventionGenetics, part of Exact Sciences
Classification: Uncertain significance for RP1L1-related condition. Last evaluated: 2025-07-28. Review status: criteria provided, single submitter. Criteria: ACMG Guidelines, 2015. Collection method: clinical testing. Allele origin: germline.
Comment: The RP1L1 c.1043C>T variant is predicted to result in the amino acid substitution p.Ala348Val. To our knowledge, this variant has not been reported in the literature. This variant is reported in 0.14% of alleles in individuals of African descent in gnomAD. Although we suspect that this variant may be benign, at this time, the clinical significance of this variant is uncertain due to the absence of conclusive functional and genetic evidence.

Blueprint Genetics
Classification: Benign. Last evaluated: 2024-05-08. Review status: criteria provided, single submitter. Criteria: ACMG Guidelines, 2015. Collection method: clinical testing. Allele origin: germline.

GeneDx
Classification: Uncertain significance. Last evaluated: 2022-01-25. Review status: criteria provided, single submitter. Criteria: GeneDx Variant Classification Process June 2021. Collection method: clinical testing. Allele origin: germline. Affected: yes.
Comment: In silico analysis supports that this missense variant does not alter protein structure/function; Has not been previously published as pathogenic or benign to our knowledge